The following is an entry in ClinVar:

ClinVar aggregate classification (germline): Uncertain significance (1 of 4 stars; one submission).

Submission:

Labcorp Genetics (formerly Invitae), Labcorp
Classification: Uncertain significance. Last evaluated: 2022-04-09. Review status: criteria provided, single submitter. Criteria: Invitae Variant Classification Sherloc (09022015). Collection method: clinical testing. Allele origin: germline.
Comment: This sequence change replaces leucine, which is neutral and non-polar, with tryptophan, which is neutral and slightly polar, at codon 110 of the SCLT1 protein (p.Leu110Trp). This variant is not present in population databases (gnomAD no frequency). This variant has not been reported in the literature in individuals affected with SCLT1-related conditions. Algorithms developed to predict the effect of missense changes on protein structure and function (SIFT, PolyPhen-2, Align-GVGD) all suggest that this variant is likely to be disruptive. In summary, the available evidence is currently insufficient to determine the role of this variant in disease. Therefore, it has been classified as a Variant of Uncertain Significance.

NM_144643.4(SCLT1):c.329T>G (p.Leu110Trp)

Gene: SCLT1 (sodium channel and clathrin linker 1; minus strand). Cytogenetic location: 4q28.2.
Variant type: single nucleotide variant.
Coding change: c.329T>G on transcript NM_144643.4 (MANE Select); coding-DNA position 329, T replaced by G.
Protein change: p.Leu110Trp; replaces leucine 110 with tryptophan.
Molecular consequence: missense variant.
Genome position (GRCh38, 1-based): chr4:129,003,838, A>C on the plus strand (T>G on the coding strand, the complement: SCLT1 is on the minus strand). VCF-style: chr4-129003838-A-C. GRCh37 (hg19) VCF-style: chr4-129924993-A-C.
Other names: c.329T>G, p.Leu110Trp (NM_001410807.1); short protein forms L110W.
Identifiers: ClinVar variation 2123469 (VCV002123469.4), dbSNP rs1029058136, ClinGen allele CA358183342.